The following is an entry in ClinVar:

NM_000359.3(TGM1):c.2278C>T (p.Arg760Ter)

Gene: TGM1 (transglutaminase 1; minus strand). Cytogenetic location: 14q12.
Variant type: single nucleotide variant.
Coding change: c.2278C>T on transcript NM_000359.3 (MANE Select); coding-DNA position 2278, C replaced by T.
Protein change: p.Arg760Ter; replaces arginine 760 with a stop codon.
Molecular consequence: nonsense.
Genome position (GRCh38, 1-based): chr14:24,249,489, G>A on the plus strand (C>T on the coding strand, the complement: TGM1 is on the minus strand). VCF-style: chr14-24249489-G-A. GRCh37 (hg19) VCF-style: chr14-24718695-G-A.
Other names: R670*; short protein forms R760*.
Identifiers: ClinVar variation 39536 (VCV000039536.19), dbSNP rs398122904, ClinGen allele CA261158.

ClinVar aggregate classification (germline): Pathogenic. Review status: criteria provided, multiple submitters, no conflicts (2 of 4 stars). 6 submissions from 6 submitters: Pathogenic (4). 2 of the submissions do not count toward it. Last evaluated 2025-12-26.

Conditions:
Autosomal recessive congenital ichthyosis 1 (LI1). Also called: COLLODION FETUS; DESQUAMATION OF NEWBORN; ICHTHYOSIS CONGENITA; ICHTHYOSIS CONGENITA II; ICHTHYOSIS, CONGENITAL, AUTOSOMAL RECESSIVE 1, WITH BATHING SUIT DISTRIBUTION; ICHTHYOSIS, CONGENITAL, AUTOSOMAL RECESSIVE 1, WITH OR WITHOUT BATHING SUIT DISTRIBUTION. Identifiers: MedGen C4551630, MONDO:0009441, OMIM 242300.

Allele frequency attached by ClinVar (database versions not stated): gnomAD exomes 0.00001; ExAC 0.00001.
gnomAD v4.1: 8 of 1,613,922 alleles (0.0005%); highest among the groups gnomAD compares: African/African-American, 0.0013%; no homozygotes.

Submissions (6):

Labcorp Genetics (formerly Invitae), Labcorp
Classification: Pathogenic. Last evaluated: 2025-12-26. Review status: criteria provided, single submitter. Criteria: Invitae Variant Classification Sherloc (09022015). Collection method: clinical testing. Allele origin: germline.
Comment: This sequence change creates a premature translational stop signal (p.Arg760*) in the TGM1 gene. While this is not anticipated to result in nonsense mediated decay, it is expected to disrupt the last 58 amino acid(s) of the TGM1 protein. This variant is present in population databases (rs398122904, gnomAD 0.0009%). This premature translational stop signal has been observed in individuals with congenital ichthyosis (PMID: 10914678, 21668430). ClinVar contains an entry for this variant (Variation ID: 39536). Algorithms developed to predict the effect of sequence changes on RNA splicing suggest that this variant may disrupt the consensus splice site. For these reasons, this variant has been classified as Pathogenic.

Natera, Inc.
Classification: Pathogenic for Autosomal recessive congenital ichthyosis type 1. Last evaluated: 2025-01-29. Review status: criteria provided, single submitter. Criteria: Natera Variant Classification Schema (03/2026). Collection method: clinical testing. Allele origin: germline.
Comment: The c.2278C>T variant in TGM1 is a nonsense variant predicted to introduce a stop codon at amino acid 760. This variant is expected to result in nonsense mediated decay, truncation, or a dysfunctional protein product. This variant is rare in the general population with a frequency below the threshold expected for the associated phenotype(s). This variant has been observed in one or more individuals affected with the associated recessive disease, as either homozygous or compound heterozygous with a second variant (PMID: 21668430). Additionally, this variant has been observed to segregate in affected family members (PMID: 21668430). Given the available evidence, this variant is classified as Pathogenic.

GeneDx
Classification: Pathogenic. Last evaluated: 2023-09-23. Review status: criteria provided, single submitter. Criteria: GeneDx Variant Classification Process June 2021. Collection method: clinical testing. Allele origin: germline. Affected: yes.
Comment: Nonsense variant predicted to result in protein truncation, as the last 58 amino acids are lost, and other loss-of-function variants have been reported downstream in HGMD; Not observed at significant frequency in large population cohorts (gnomAD); This variant is associated with the following publications: (PMID: 21668430, 22511925, 10914678)

Genome-Nilou Lab
Classification: Pathogenic for Autosomal recessive congenital ichthyosis 1. Review status: criteria provided, single submitter. Criteria: ACMG Guidelines, 2015. Collection method: clinical testing. Allele origin: germline.

Counsyl
Classification: Pathogenic for Autosomal recessive congenital ichthyosis 1. Last evaluated: 2017-03-16. Review status: no assertion criteria provided. Collection method: clinical testing. Allele origin: unknown. Not counted in ClinVar's aggregate classification.

OMIM
Classification: Pathogenic for ICHTHYOSIS, CONGENITAL, AUTOSOMAL RECESSIVE 1, WITH OR WITHOUT BATHING SUIT DISTRIBUTION. Last evaluated: 2011-10-01. Review status: no assertion criteria provided. Collection method: literature only. Allele origin: germline. Not counted in ClinVar's aggregate classification.

Literature cited by the submitters: PubMed 10914678 (cited by Labcorp Genetics (formerly Invitae), Labcorp); PubMed 21668430 (cited by 4 submitters).